The following is an entry in ClinVar:

ClinVar aggregate classification (germline): Likely benign (1 of 4 stars; one submission).

gnomAD v4.1: 1 of 1,613,928 alleles (0.000062%); highest among the groups gnomAD compares: Non-Finnish European, 0.000085%; no homozygotes.

Submission:

CeGaT Center for Human Genetics Tuebingen
Classification: Likely benign. Last evaluated: 2026-02-01. Review status: criteria provided, single submitter. Criteria: CeGaT Center For Human Genetics Tuebingen Variant Classification Criteria Version 2. Collection method: clinical testing. Allele origin: germline. Affected: yes. Observed: 1 variant allele.
Comment: SLC4A11: BP4, BP7

NM_001174089.2(SLC4A11):c.1512G>A (p.Gly504=)

Gene: SLC4A11 (solute carrier family 4 member 11; minus strand). Cytogenetic location: 20p13.
Variant type: single nucleotide variant.
Coding change: c.1512G>A on transcript NM_001174089.2 (MANE Select); coding-DNA position 1512, G replaced by A.
Protein change: p.Gly504=; no amino-acid change (glycine 504 retained).
Molecular consequence: synonymous variant. On other transcripts: non-coding transcript variant (2).
Genome position (GRCh38, 1-based): chr20:3,229,754, C>T on the plus strand (G>A on the coding strand, the complement: SLC4A11 is on the minus strand). VCF-style: chr20-3229754-C-T. GRCh37 (hg19) VCF-style: chr20-3210400-C-T.
Other names: c.1641G>A, p.Gly547= (NM_001174090.2); c.1398G>A, p.Gly466= (NM_001363745.2); c.1455G>A, p.Gly485= (NM_001400277.1, NM_001400278.1, NM_001400279.1); c.1527G>A, p.Gly509= (NM_001400280.1); c.1560G>A, p.Gly520= (NM_032034.4).
Identifiers: ClinVar variation 4823426 (VCV004823426.4).